The following is an entry in ClinVar:

ClinVar aggregate classification (germline): Uncertain significance (1 of 4 stars; one submission).

Conditions:
Isolated microphthalmia 3 (MCOPS16). Also called: MICROPHTHALMIA, SYNDROMIC 16. Identifiers: Orphanet 2542, MedGen C5774181, MONDO:0012604, OMIM 611038.

Submission:

Labcorp Genetics (formerly Invitae), Labcorp
Classification: Uncertain significance for Isolated microphthalmia 3. Last evaluated: 2024-07-10. Review status: criteria provided, single submitter. Criteria: Invitae Variant Classification Sherloc (09022015). Collection method: clinical testing. Allele origin: germline.
Comment: This variant, c.825_827dup, results in the insertion of 1 amino acid(s) of the RAX protein (p.Pro282dup), but otherwise preserves the integrity of the reading frame. This variant is not present in population databases (gnomAD no frequency). This variant has not been reported in the literature in individuals affected with RAX-related conditions. In summary, the available evidence is currently insufficient to determine the role of this variant in disease. Therefore, it has been classified as a Variant of Uncertain Significance.

NM_013435.3(RAX):c.825_827dup (p.Pro282_Phe283insPro)

Gene: RAX (retina and anterior neural fold homeobox; minus strand). Cytogenetic location: 18q21.32.
Variant type: Duplication.
Coding change: c.825_827dup on transcript NM_013435.3 (MANE Select); coding-DNA positions 825 to 827, 3 bases duplicated (GCC; older notation c.825_827dupGCC).
Protein change: p.Pro282_Phe283insPro.
Genome position (GRCh38, 1-based): chr18:59,269,218-59,269,220, GGC duplicated on the plus strand (GCC on the coding strand, the reverse complement: RAX is on the minus strand); duplicating any 3 consecutive bases within chr18:59,269,218-59,269,221 gives the same sequence; the c. name uses the placement nearest the transcript's 3' end. VCF-style (leftmost placement, unchanged base first): chr18-59269217-T-TGGC. GRCh37 (hg19) VCF-style: chr18-56936449-T-TGGC.
Identifiers: ClinVar variation 3659005 (VCV003659005.2).
Genomic context (GRCh38, chr18:59,269,217, plus strand): 5'-GAGAGGTTGCAGGCCGGGGCCCAACGGCGGGGAGTTCAGGAAGGGCGGAGGCGGCGGCGG[T>TGGC]GGCGTGTAGCTGGCAGGCAGGCTCTGCGCCGGCGGCCCGAAGCCCGGCAGGCTCTGCAGC-3'